The following is an entry in ClinVar:

NM_001042492.3(NF1):c.1028del (p.Phe343fs)

Gene: NF1 (neurofibromin 1; plus strand). Cytogenetic location: 17q11.2.
Variant type: Deletion.
Coding change: c.1028del on transcript NM_001042492.3 (MANE Select); coding-DNA position 1028, one base deleted (T; older notation c.1028delT).
Protein change: p.Phe343fs; shifts the reading frame from phenylalanine 343.
Molecular consequence: frameshift variant.
Genome position (GRCh38, 1-based): chr17:31,200,561, T deleted; the last of 4 consecutive T bases (chr17:31,200,558-31,200,561); deleting any one gives the same sequence. VCF-style (leftmost placement, unchanged base first): chr17-31200557-AT-A. GRCh37 (hg19) VCF-style: chr17-29527575-AT-A.
Other names: c.1028delT, p.Phe343Serfs (NM_000267.4); c.1028del, p.Phe343fs (NM_001128147.3); short protein forms F343fs.
Identifiers: ClinVar variation 3653072 (VCV003653072.3).
Genomic context (GRCh38, chr17:31,200,557, plus strand): 5'-ATTGCCTGTGTCAAACTGTGTAAAGCAAGTACTTACATCAATTGGGAAGATAACTCTGTC[AT>A]TTTCCTACTTGTTCAGTCCATGGTGGTTGATCTTAAGGTAACATGCTTATTCTTTCTCTA-3'

ClinVar aggregate classification (germline): Pathogenic/Likely pathogenic. Review status: criteria provided, multiple submitters, no conflicts (2 of 4 stars). 2 submissions from 2 submitters: Pathogenic (1); Likely pathogenic (1). Last evaluated 2024-07-29.

Conditions:
Neurofibromatosis, type 1 (NF1). Also called: Neurofibromatosis, type I; Peripheral type neurofibromatosis; VON RECKLINGHAUSEN DISEASE; NEUROFIBROMATOSIS, TYPE I, SOMATIC. Identifiers: Orphanet 636, MedGen C0027831, MONDO:0018975, OMIM 162200. Disease mechanism: loss of function.
NF1-related disorder. Also called: NF1-related condition. Identifiers: MedGen CN379171.

Submissions (2):

Blueprint Genetics
Classification: Likely pathogenic for NF1-related disorders. Last evaluated: 2024-07-29. Review status: criteria provided, single submitter. Criteria: ACMG Guidelines, 2015. Collection method: clinical testing. Allele origin: germline. Affected: yes. Observed: 1 variant allele.

Labcorp Genetics (formerly Invitae), Labcorp
Classification: Pathogenic for Neurofibromatosis, type 1. Last evaluated: 2024-05-26. Review status: criteria provided, single submitter. Criteria: Invitae Variant Classification Sherloc (09022015). Collection method: clinical testing. Allele origin: germline.
Comment: This sequence change creates a premature translational stop signal (p.Phe343Serfs*33) in the NF1 gene. It is expected to result in an absent or disrupted protein product. Loss-of-function variants in NF1 are known to be pathogenic (PMID: 10712197, 23913538). This variant is not present in population databases (gnomAD no frequency). This variant has not been reported in the literature in individuals affected with NF1-related conditions. Algorithms developed to predict the effect of sequence changes on RNA splicing suggest that this variant may disrupt the consensus splice site. For these reasons, this variant has been classified as Pathogenic.

Literature cited by the submitters: PubMed 10712197 (cited by Labcorp Genetics (formerly Invitae), Labcorp); PubMed 23913538 (cited by Labcorp Genetics (formerly Invitae), Labcorp).